The following is an entry in ClinVar:

NM_016955.4(SEPSECS):c.115-2dup

Gene: SEPSECS (Sep (O-phosphoserine) tRNA:Sec (selenocysteine) tRNA synthase; minus strand). Cytogenetic location: 4p15.2.
Variant type: Duplication.
Coding change: c.115-2dup on transcript NM_016955.4 (MANE Select); the canonical splice acceptor site of the intron before coding-DNA position 115, one base duplicated (A; older notation c.115-2dupA).
Molecular consequence: splice acceptor variant.
Genome position (GRCh38, 1-based): chr4:25,159,109, T duplicated on the plus strand (A on the coding strand, the reverse complement: SEPSECS is on the minus strand); the first of 2 consecutive T bases (chr4:25,159,109-25,159,110); duplicating either gives the same sequence. VCF-style (leftmost placement, unchanged base first): chr4-25159108-C-CT. GRCh37 (hg19) VCF-style: chr4-25160730-C-CT.
Other names: c.370-2dup (NM_001410714.1).
Identifiers: ClinVar variation 5004582 (VCV005004582.1).

ClinVar aggregate classification (germline): Uncertain significance (1 of 4 stars; one submission).

Conditions:
Pontocerebellar hypoplasia type 2D (PCH2D). Also called: Progressive cerebello-cerebral atrophy. Identifiers: Orphanet 247198, Orphanet 2524, MedGen C3151140, MONDO:0013438, OMIM 613811.

Submission:

Myriad Genetics, Inc.
Classification: Uncertain significance for Pontocerebellar hypoplasia type 2D. Last evaluated: 2026-04-15. Review status: criteria provided, single submitter. Criteria: Myriad Autosomal Dominant, Autosomal Recessive and X-Linked Classification Criteria (2023). Collection method: clinical testing. Allele origin: unknown.
Comment: NM_016955.3(SEPSECS):c.115-2dupA is an intronic variant classified as a variant of uncertain significance in the context of pontocerebellar hypoplasia, SEPSECS-related. c.115-2dupA has not been observed in cases with relevant disease. Relevant functional assessments of this variant are not available in the literature. c.115-2dupA has not been observed in referenced population frequency databases. In summary, there is insufficient evidence to classify NM_016955.3(SEPSECS):c.115-2dupA as pathogenic or benign. Please note: this variant was assessed in the context of healthy population screening.